The following is an entry in ClinVar:

NM_006939.4(SOS2):c.947C>G (p.Pro316Arg)

Gene: SOS2 (SOS Ras/Rho guanine nucleotide exchange factor 2; minus strand). Cytogenetic location: 14q21.3.
Variant type: single nucleotide variant.
Coding change: c.947C>G on transcript NM_006939.4 (MANE Select); coding-DNA position 947, C replaced by G.
Protein change: p.Pro316Arg; replaces proline 316 with arginine.
Molecular consequence: missense variant.
Genome position (GRCh38, 1-based): chr14:50,180,594, G>C on the plus strand (C>G on the coding strand, the complement: SOS2 is on the minus strand). VCF-style: chr14-50180594-G-C. GRCh37 (hg19) VCF-style: chr14-50647312-G-C.
Other names: c.947C>G (NM_006939.2); short protein forms P316R.
Identifiers: ClinVar variation 1299592 (VCV001299592.2), dbSNP rs1885702697, ClinGen allele CA389646940.

ClinVar aggregate classification (germline): Uncertain significance. Review status: criteria provided, multiple submitters, no conflicts (2 of 4 stars). 2 submissions from 2 submitters: Uncertain significance (2). Last evaluated 2025-03-20.

Conditions:
Cardiovascular phenotype. Identifiers: MedGen CN230736.
Noonan syndrome 9 (NS9). Identifiers: Orphanet 648, MedGen C4225282, MONDO:0014691, OMIM 616559.

Allele frequency attached by ClinVar (database versions not stated): gnomAD 0.00001.
gnomAD v4.1: 1 of 1,570,188 alleles (0.000064%); highest among the groups gnomAD compares: African/African-American, 0.0014%; no homozygotes.

Submissions (2):

Ambry Genetics
Classification: Uncertain significance for Cardiovascular phenotype. Last evaluated: 2025-03-20. Review status: criteria provided, single submitter. Criteria: Ambry Variant Classification Scheme 2023. Collection method: clinical testing. Allele origin: germline.

Laboratory of Medical Genetics, National & Kapodistrian University of Athens
Classification: Uncertain significance for Noonan syndrome 9. Last evaluated: 2021-10-06. Review status: criteria provided, single submitter. Criteria: ACMG Guidelines, 2015. Collection method: clinical testing. Allele origin: paternal.
Comment: PM1, PM2, PP3